The following is an entry in ClinVar:

NM_005431.2(XRCC2):c.29C>G (p.Ser10Cys)

Gene: XRCC2 (X-ray repair cross complementing 2; minus strand). Cytogenetic location: 7q36.1.
Variant type: single nucleotide variant.
Coding change: c.29C>G on transcript NM_005431.2 (MANE Select); coding-DNA position 29, C replaced by G.
Protein change: p.Ser10Cys; replaces serine 10 with cysteine.
Molecular consequence: missense variant.
Genome position (GRCh38, 1-based): chr7:152,676,051, G>C on the plus strand (C>G on the coding strand, the complement: XRCC2 is on the minus strand). VCF-style: chr7-152676051-G-C. GRCh37 (hg19) VCF-style: chr7-152373136-G-C.
Other names: c.29C>G (NM_005431.1); short protein forms S10C.
Identifiers: ClinVar variation 3622316 (VCV003622316.3).

ClinVar aggregate classification (germline): Uncertain significance. Review status: criteria provided, multiple submitters, no conflicts (2 of 4 stars). 2 submissions from 2 submitters: Uncertain significance (2). Last evaluated 2025-01-24.

Conditions:
Hereditary cancer-predisposing syndrome. Also called: Tumor predisposition; Hereditary neoplastic syndrome; Neoplastic Syndromes, Hereditary; Hereditary Cancer Syndrome. Identifiers: Orphanet 140162, MedGen C0027672, MeSH D009386, MONDO:0015356.

Submissions (2):

Ambry Genetics
Classification: Uncertain significance for Hereditary cancer-predisposing syndrome. Last evaluated: 2025-01-24. Review status: criteria provided, single submitter. Criteria: Ambry Variant Classification Scheme 2023. Collection method: clinical testing. Allele origin: germline.
Comment: The p.S10C variant (also known as c.29C>G), located in coding exon 1 of the XRCC2 gene, results from a C to G substitution at nucleotide position 29. The serine at codon 10 is replaced by cysteine, an amino acid with dissimilar properties. This amino acid position is conserved. In addition, this alteration is predicted to be tolerated by in silico analysis. Based on the available evidence, the clinical significance of this variant remains unclear.

Labcorp Genetics (formerly Invitae), Labcorp
Classification: Uncertain significance. Last evaluated: 2024-07-13. Review status: criteria provided, single submitter. Criteria: Invitae Variant Classification Sherloc (09022015). Collection method: clinical testing. Allele origin: germline.
Comment: This sequence change replaces serine, which is neutral and polar, with cysteine, which is neutral and slightly polar, at codon 10 of the XRCC2 protein (p.Ser10Cys). This variant is not present in population databases (gnomAD no frequency). This variant has not been reported in the literature in individuals affected with XRCC2-related conditions. An algorithm developed to predict the effect of missense changes on protein structure and function (PolyPhen-2) suggests that this variant is likely to be disruptive. In summary, the available evidence is currently insufficient to determine the role of this variant in disease. Therefore, it has been classified as a Variant of Uncertain Significance.